The following is an entry in ClinVar:

ClinVar aggregate classification (germline): Pathogenic (1 of 4 stars; one submission).

Conditions:
Propionic acidemia (PROP). Also called: GLYCINEMIA, KETOTIC; HYPERGLYCINEMIA WITH KETOACIDOSIS AND LEUKOPENIA; KETOTIC HYPERGLYCINEMIA. Identifiers: Orphanet 35, MedGen C0268579, MONDO:0011628, OMIM 606054, HP:0003571.

Allele frequency attached by ClinVar (database versions not stated): gnomAD 0.00001; TOPMed 0.00001.

Submission:

Labcorp Genetics (formerly Invitae), Labcorp
Classification: Pathogenic for Propionic acidemia. Last evaluated: 2023-08-16. Review status: criteria provided, single submitter. Criteria: Invitae Variant Classification Sherloc (09022015). Collection method: clinical testing. Allele origin: germline.
Comment: For these reasons, this variant has been classified as Pathogenic. ClinVar contains an entry for this variant (Variation ID: 1965039). This variant has not been reported in the literature in individuals affected with PCCA-related conditions. This variant is not present in population databases (gnomAD no frequency). This sequence change creates a premature translational stop signal (p.Ala29Argfs*6) in the PCCA gene. It is expected to result in an absent or disrupted protein product. Loss-of-function variants in PCCA are known to be pathogenic (PMID: 15464417).

Literature cited by the submitters: PubMed 15464417.

NM_000282.4(PCCA):c.85del (p.Ala29fs)

Gene: PCCA (propionyl-CoA carboxylase subunit alpha; plus strand). Cytogenetic location: 13q32.3.
Variant type: Deletion.
Coding change: c.85del on transcript NM_000282.4 (MANE Select); coding-DNA position 85, one base deleted (G; older notation c.85delG).
Protein change: p.Ala29fs; shifts the reading frame from alanine 29.
Molecular consequence: frameshift variant. On other transcripts: 5 prime UTR variant (3), non-coding transcript variant (5).
Genome position (GRCh38, 1-based): chr13:100,089,205, G deleted. VCF-style (leftmost placement, unchanged base first): chr13-100089204-CG-C. GRCh37 (hg19) VCF-style: chr13-100741458-CG-C.
Other names: c.85del, p.Ala29fs (NM_001352607.2, NM_001352608.2, NM_001352609.2 and 4 more transcripts); c.-782del (NM_001352610.2, NM_001352611.2, NM_001352612.2); short protein forms A29fs.
Identifiers: ClinVar variation 1965039 (VCV001965039.5), dbSNP rs1184927944, ClinGen allele CA484741659.
Genomic context (GRCh38, chr13:100,089,204, plus strand): 5'-AGCACCGCTGGTCGCTGCCGGACGGCGTGGGCGGTGGCCGCCGCAGCAGCTGATGCTGAG[CG>C]CGGCGCTGCGGACCCTGAAGGTGAGGAGCAACGGGGCCTCGCGGGTCCGGGCTTCACTGG-3'